The following is an entry in ClinVar:

NM_001134363.3(RBM20):c.1107del (p.Asn369fs)

Gene: RBM20 (RNA binding motif protein 20; plus strand). Cytogenetic location: 10q25.2.
Variant type: Deletion.
Coding change: c.1107del on transcript NM_001134363.3 (MANE Select); coding-DNA position 1107, one base deleted (C; older notation c.1107delC).
Protein change: p.Asn369fs; shifts the reading frame from asparagine 369.
Molecular consequence: frameshift variant.
Genome position (GRCh38, 1-based): chr10:110,781,716, C deleted. VCF-style (leftmost placement, unchanged base first): chr10-110781715-AC-A. GRCh37 (hg19) VCF-style: chr10-112541473-AC-A.
Other names: short protein forms N369fs.
Identifiers: ClinVar variation 3663850 (VCV003663850.2).

ClinVar aggregate classification (germline): Pathogenic (1 of 4 stars; one submission).

Conditions:
Dilated cardiomyopathy 1DD (CMD1DD). Identifiers: Orphanet 154, MedGen C2750995, MONDO:0013168, OMIM 613172.

Submission:

Labcorp Genetics (formerly Invitae), Labcorp
Classification: Pathogenic for Dilated cardiomyopathy 1DD. Last evaluated: 2025-11-21. Review status: criteria provided, single submitter. Criteria: Invitae Variant Classification Sherloc (09022015). Collection method: clinical testing. Allele origin: germline.
Comment: This sequence change creates a premature translational stop signal (p.Asn369Lysfs*31) in the RBM20 gene. It is expected to result in an absent or disrupted protein product. Loss-of-function variants in RBM20 are known to be pathogenic (PMID: 20590677, 22004663, 38288598, 38510713, 40339755). This variant is not present in population databases (gnomAD no frequency). This variant has not been reported in the literature in individuals affected with RBM20-related conditions. ClinVar contains an entry for this variant (Variation ID: 3663850). For these reasons, this variant has been classified as Pathogenic.

Literature cited by the submitters: PubMed 20590677; PubMed 22004663; PubMed 38288598; PubMed 38510713; PubMed 40339755.